The following is an entry in ClinVar:

NM_004415.4(DSP):c.1950C>A (p.Asn650Lys)

Gene: DSP (desmoplakin; plus strand). Cytogenetic location: 6p24.3.
Variant type: single nucleotide variant.
Coding change: c.1950C>A on transcript NM_004415.4 (MANE Select); coding-DNA position 1950, C replaced by A.
Protein change: p.Asn650Lys; replaces asparagine 650 with lysine.
Molecular consequence: missense variant.
Genome position (GRCh38, 1-based): chr6:7,571,888, C>A. VCF-style: chr6-7571888-C-A. GRCh37 (hg19) VCF-style: chr6-7572121-C-A.
Other names: c.1950C>A, p.Asn650Lys (NM_001008844.3, NM_001319034.2); short protein forms N650K.
Identifiers: ClinVar variation 2937501 (VCV002937501.4), dbSNP rs755158060, ClinGen allele CA030899.

ClinVar aggregate classification (germline): Conflicting classifications of pathogenicity. Review status: criteria provided, conflicting classifications (1 of 4 stars). 2 submissions from 2 submitters: Uncertain significance (1); Likely benign (1). Last evaluated 2023-09-06.

Conditions:
Arrhythmogenic cardiomyopathy with wooly hair and keratoderma. Also called: Dilated cardiomyopathy with woolly hair and keratoderma; Carvajal syndrome; Arrhythmogenic cardiomyopathy with woolly hair and keratoderma; PALMOPLANTAR KERATODERMA WITH LEFT VENTRICULAR CARDIOMYOPATHY AND WOOLLY HAIR. Identifiers: Orphanet 65282, MedGen C1854063, MONDO:0011581, OMIM 605676.
Arrhythmogenic right ventricular dysplasia 8 (ARVD8). Also called: ARRHYTHMOGENIC RIGHT VENTRICULAR DYSPLASIA, FAMILIAL, 8; ARRHYTHMOGENIC RIGHT VENTRICULAR CARDIOMYOPATHY 8; Arrhythmogenic Right Ventricular Dysplasia/Cardiomyopathy 8. Identifiers: MedGen C1843896, MONDO:0011831, OMIM 607450.

Allele frequency attached by ClinVar (database versions not stated): ExAC 0.00001.
gnomAD v4.1: 8 of 1,613,924 alleles (0.0005%); highest among the groups gnomAD compares: Non-Finnish European, 0.00059%; no homozygotes.

Submissions (2):

Labcorp Genetics (formerly Invitae), Labcorp
Classification: Uncertain significance for Arrhythmogenic cardiomyopathy with wooly hair and keratoderma; Arrhythmogenic right ventricular dysplasia 8. Last evaluated: 2023-09-06. Review status: criteria provided, single submitter. Criteria: Invitae Variant Classification Sherloc (09022015). Collection method: clinical testing. Allele origin: germline.
Comment: This variant has not been reported in the literature in individuals affected with DSP-related conditions. This variant is present in population databases (rs755158060, gnomAD 0.002%). This sequence change replaces asparagine, which is neutral and polar, with lysine, which is basic and polar, at codon 650 of the DSP protein (p.Asn650Lys). An algorithm developed to predict the effect of missense changes on protein structure and function (PolyPhen-2) suggests that this variant is likely to be tolerated. In summary, the available evidence is currently insufficient to determine the role of this variant in disease. Therefore, it has been classified as a Variant of Uncertain Significance.

Blueprint Genetics
Classification: Likely benign. Last evaluated: 2022-09-07. Review status: criteria provided, single submitter. Criteria: ACMG Guidelines, 2015. Collection method: clinical testing. Allele origin: germline.